The following is an entry in ClinVar:

NM_000443.4(ABCB4):c.2293T>C (p.Ser765Pro)

Gene: ABCB4 (ATP binding cassette subfamily B member 4; minus strand). Cytogenetic location: 7q21.12.
Variant type: single nucleotide variant.
Coding change: c.2293T>C on transcript NM_000443.4 (MANE Select); coding-DNA position 2293, T replaced by C.
Protein change: p.Ser765Pro; replaces serine 765 with proline.
Molecular consequence: missense variant.
Genome position (GRCh38, 1-based): chr7:87,422,144, A>G on the plus strand (T>C on the coding strand, the complement: ABCB4 is on the minus strand). VCF-style: chr7-87422144-A-G. GRCh37 (hg19) VCF-style: chr7-87051460-A-G.
Other names: c.2293T>C, p.Ser765Pro (NM_018849.3, NM_018850.3); short protein forms S765P.
Identifiers: ClinVar variation 4741142 (VCV004741142.1).

ClinVar aggregate classification (germline): Uncertain significance (1 of 4 stars; one submission).

Submission:

Labcorp Genetics (formerly Invitae), Labcorp
Classification: Uncertain significance. Last evaluated: 2025-04-10. Review status: criteria provided, single submitter. Criteria: Invitae Variant Classification Sherloc (09022015). Collection method: clinical testing. Allele origin: germline.
Comment: This sequence change replaces serine, which is neutral and polar, with proline, which is neutral and non-polar, at codon 765 of the ABCB4 protein (p.Ser765Pro). This variant is not present in population databases (gnomAD no frequency). This variant has not been reported in the literature in individuals affected with ABCB4-related conditions. Invitae Evidence Modeling of protein sequence and biophysical properties (such as structural, functional, and spatial information, amino acid conservation, physicochemical variation, residue mobility, and thermodynamic stability) indicates that this missense variant is expected to disrupt ABCB4 protein function with a positive predictive value of 80%. In summary, the available evidence is currently insufficient to determine the role of this variant in disease. Therefore, it has been classified as a Variant of Uncertain Significance.